The following is an entry in ClinVar:

NM_001039141.3(TRIOBP):c.3767C>T (p.Ala1256Val)

Gene: TRIOBP (TRIO and F-actin binding protein; plus strand). Cytogenetic location: 22q13.1.
Variant type: single nucleotide variant.
Coding change: c.3767C>T on transcript NM_001039141.3 (MANE Select); coding-DNA position 3767, C replaced by T.
Protein change: p.Ala1256Val; replaces alanine 1256 with valine.
Molecular consequence: missense variant.
Genome position (GRCh38, 1-based): chr22:37,726,323, C>T. VCF-style: chr22-37726323-C-T. GRCh37 (hg19) VCF-style: chr22-38122330-C-T.
Other names: c.3767C>T (NM_001039141.2); short protein forms A1256V.
Identifiers: ClinVar variation 1552238 (VCV001552238.19), dbSNP rs527894233, ClinGen allele CA10224206.

ClinVar aggregate classification (germline): Benign/Likely benign. Review status: criteria provided, multiple submitters, no conflicts (2 of 4 stars). 3 submissions from 3 submitters: Benign (1); Likely benign (2). Last evaluated 2026-05-08.

Conditions:
TRIOBP-related disorder. Also called: TRIOBP-related condition.

Allele frequency attached by ClinVar (database versions not stated): gnomAD 0.00014 and 0.00019; TOPMed 0.00014; gnomAD exomes 0.00035; ExAC 0.00039; 1000 Genomes Project 30x 0.00062; 1000 Genomes Project 0.00080.
gnomAD v4.1: 281 of 1,612,528 alleles (0.017%); highest among the groups gnomAD compares: South Asian, 0.24%; 3 homozygotes.

Submissions (3):

PreventionGenetics, part of Exact Sciences
Classification: Likely benign for TRIOBP-related condition. Last evaluated: 2026-05-08. Review status: criteria provided, single submitter. Criteria: ACMG Guidelines, 2015. Collection method: clinical testing. Allele origin: germline.
Comment: This variant is classified as likely benign based on ACMG/AMP sequence variant interpretation guidelines (Richards et al. 2015 PMID: 25741868, with internal and published modifications).

CeGaT Center for Human Genetics Tuebingen
Classification: Likely benign. Last evaluated: 2025-06-01. Review status: criteria provided, single submitter. Criteria: CeGaT Center For Human Genetics Tuebingen Variant Classification Criteria Version 2. Collection method: clinical testing. Allele origin: germline. Affected: yes. Observed: 1 variant allele.
Comment: TRIOBP: BP4, BS2

Labcorp Genetics (formerly Invitae), Labcorp
Classification: Benign. Last evaluated: 2023-08-11. Review status: criteria provided, single submitter. Criteria: Invitae Variant Classification Sherloc (09022015). Collection method: clinical testing. Allele origin: germline.